The following is an entry in ClinVar:

NM_003054.6(SLC18A2):c.434C>A (p.Thr145Asn)

Gene: SLC18A2 (solute carrier family 18 member A2; plus strand). Cytogenetic location: 10q25.3.
Variant type: single nucleotide variant.
Coding change: c.434C>A on transcript NM_003054.6 (MANE Select); coding-DNA position 434, C replaced by A.
Protein change: p.Thr145Asn; replaces threonine 145 with asparagine.
Molecular consequence: missense variant.
Genome position (GRCh38, 1-based): chr10:117,244,283, C>A. VCF-style: chr10-117244283-C-A. GRCh37 (hg19) VCF-style: chr10-119003794-C-A.
Other names: short protein forms T145N.
Identifiers: ClinVar variation 2038986 (VCV002038986.4), dbSNP rs1357766345, ClinGen allele CA378510457.

ClinVar aggregate classification (germline): Uncertain significance (1 of 4 stars; one submission).

Allele frequency attached by ClinVar (database versions not stated): gnomAD exomes below 0.00001.
gnomAD v4.1: 1 of 1,614,098 alleles (0.000062%); highest among the groups gnomAD compares: Non-Finnish European, 0.000085%; no homozygotes.

Submission:

Labcorp Genetics (formerly Invitae), Labcorp
Classification: Uncertain significance. Last evaluated: 2022-03-22. Review status: criteria provided, single submitter. Criteria: Invitae Variant Classification Sherloc (09022015). Collection method: clinical testing. Allele origin: germline.
Comment: This sequence change replaces threonine, which is neutral and polar, with asparagine, which is neutral and polar, at codon 145 of the SLC18A2 protein (p.Thr145Asn). In summary, the available evidence is currently insufficient to determine the role of this variant in disease. Therefore, it has been classified as a Variant of Uncertain Significance. Algorithms developed to predict the effect of missense changes on protein structure and function are either unavailable or do not agree on the potential impact of this missense change (SIFT: "Deleterious"; PolyPhen-2: "Possibly Damaging"; Align-GVGD: "Class C15"). This variant has not been reported in the literature in individuals affected with SLC18A2-related conditions. This variant is not present in population databases (gnomAD no frequency).